The following is an entry in ClinVar:

NM_172107.4(KCNQ2):c.1119-8C>G

Gene: KCNQ2 (potassium voltage-gated channel subfamily Q member 2; minus strand). Cytogenetic location: 20q13.33.
Variant type: single nucleotide variant.
Coding change: c.1119-8C>G on transcript NM_172107.4 (MANE Select); 8 bases into the intron before coding-DNA position 1119, C replaced by G.
Molecular consequence: intron variant.
Genome position (GRCh38, 1-based): chr20:63,431,377, G>C on the plus strand (C>G on the coding strand, the complement: KCNQ2 is on the minus strand). VCF-style: chr20-63431377-G-C. GRCh37 (hg19) VCF-style: chr20-62062730-G-C.
Other names: c.1118+2432C>G (NM_004518.6); c.1119-8C>G (NM_172108.5, NM_172106.3).
Identifiers: ClinVar variation 389838 (VCV000389838.10), dbSNP rs1057523550, ClinGen allele CA16608423.

ClinVar aggregate classification (germline): Conflicting classifications of pathogenicity. Review status: criteria provided, conflicting classifications (1 of 4 stars). 2 submissions from 2 submitters: Uncertain significance (1); Likely benign (1). Last evaluated 2023-07-29.

Conditions:
Early-infantile DEE. Also called: Ohtahara syndrome; Early infantile epileptic encephalopathy; Early infantile epileptic encephalopathy with suppression bursts. Identifiers: Orphanet 1934, MedGen C0393706, MONDO:0800491.

Submissions (2):

Labcorp Genetics (formerly Invitae), Labcorp
Classification: Uncertain significance for Early-infantile DEE. Last evaluated: 2023-07-29. Review status: criteria provided, single submitter. Criteria: Invitae Variant Classification Sherloc (09022015). Collection method: clinical testing. Allele origin: germline.
Comment: In summary, the available evidence is currently insufficient to determine the role of this variant in disease. Therefore, it has been classified as a Variant of Uncertain Significance. Algorithms developed to predict the effect of sequence changes on RNA splicing suggest that this variant may disrupt the consensus splice site. ClinVar contains an entry for this variant (Variation ID: 389838). This variant has not been reported in the literature in individuals affected with KCNQ2-related conditions. This variant is not present in population databases (gnomAD no frequency). This sequence change falls in intron 8 of the KCNQ2 gene. It does not directly change the encoded amino acid sequence of the KCNQ2 protein.

GeneDx
Classification: Likely benign. Last evaluated: 2016-10-06. Review status: criteria provided, single submitter. Criteria: GeneDx Variant Classification (06012015). Collection method: clinical testing. Allele origin: germline. Affected: yes.
Comment: This variant is considered likely benign or benign based on one or more of the following criteria: it is a conservative change, it occurs at a poorly conserved position in the protein, it is predicted to be benign by multiple in silico algorithms, and/or has population frequency not consistent with disease.